The following is an entry in ClinVar:

ClinVar aggregate classification (germline): Benign. Review status: criteria provided, multiple submitters, no conflicts (2 of 4 stars). 2 submissions from 2 submitters: Benign (2). Last evaluated 2018-01-13.

Conditions:
Generalized pustular psoriasis. Identifiers: Orphanet 247353, MedGen C0343055, MONDO:0100491.

Allele frequency attached by ClinVar (database versions not stated): gnomAD 0.78209 and 0.78551; TOPMed 0.78847; 1000 Genomes Project 30x 0.86836; 1000 Genomes Project 0.86981.

Submissions (2):

Illumina Laboratory Services, Illumina
Classification: Benign for Acrodermatitis continua suppurativa of Hallopeau. Last evaluated: 2018-01-13. Review status: criteria provided, single submitter. Criteria: ICSL Variant Classification Criteria 13 December 2019. Collection method: clinical testing. Allele origin: germline.
Comment: This variant was observed in the ICSL laboratory as part of a predisposition screen in an ostensibly healthy population. It had not been previously curated by ICSL or reported in the Human Gene Mutation Database (HGMD: prior to June 1st, 2018), and was therefore a candidate for classification through an automated scoring system. Utilizing variant allele frequency, disease prevalence and penetrance estimates, and inheritance mode, an automated score was calculated to assess if this variant is too frequent to cause the disease. Based on the score and internal cut-off values, a variant classified as benign is not then subjected to further curation. The score for this variant resulted in a classification of benign for this disease.

Breakthrough Genomics
Classification: Benign. Review status: criteria provided, single submitter. Criteria: ACMG Guidelines, 2015. Collection method: not provided. Allele origin: germline. Inheritance: Autosomal recessive inheritance. Affected: yes.

NM_012275.3(IL36RN):c.*863C>T

Gene: IL36RN (interleukin 36 receptor antagonist; plus strand). Cytogenetic location: 2q14.1.
Variant type: single nucleotide variant.
Coding change: c.*863C>T on transcript NM_012275.3 (MANE Select); 863 bases downstream of the stop codon, C replaced by T.
Molecular consequence: 3 prime UTR variant.
Genome position (GRCh38, 1-based): chr2:113,063,540, C>T. VCF-style: chr2-113063540-C-T. GRCh37 (hg19) VCF-style: chr2-113821117-C-T.
Other names: c.*863C>T (NM_173170.1).
Identifiers: ClinVar variation 330796 (VCV000330796.6), dbSNP rs2515404, ClinGen allele CA10611822.